The following is an entry in ClinVar:

NM_001111.5(ADAR):c.2746C>G (p.Arg916Gly)

Genes: ADAR (adenosine deaminase RNA specific; minus strand), LOC126805874 (CDK7 strongly-dependent group 2 enhancer GRCh37_chr1:154561176-154562375; plus strand). Cytogenetic location: 1q21.3.
Variant type: single nucleotide variant.
Coding change: c.2746C>G on transcript NM_001111.5 (MANE Select); coding-DNA position 2746, C replaced by G.
Protein change: p.Arg916Gly; replaces arginine 916 with glycine.
Molecular consequence: missense variant.
Genome position (GRCh38, 1-based): chr1:154,589,385, G>C on the plus strand (C>G on the coding strand, the complement: ADAR is on the minus strand). VCF-style: chr1-154589385-G-C. GRCh37 (hg19) VCF-style: chr1-154561861-G-C.
Other names: c.1861C>G, p.Arg621Gly (NM_001025107.3, NM_001193495.2, NM_001365046.1 and 2 more transcripts); c.2773C>G, p.Arg925Gly (NM_001365045.1); c.1783C>G, p.Arg595Gly (NM_001365049.1); c.2668C>G, p.Arg890Gly (NM_015840.4); c.2611C>G, p.Arg871Gly (NM_015841.4); short protein forms R621G, R890G, R916G, R595G, R871G, R925G.
Identifiers: ClinVar variation 1424014 (VCV001424014.8), dbSNP rs2101582935, ClinGen allele CA342636552.

ClinVar aggregate classification (germline): Uncertain significance (1 of 4 stars; one submission).

Conditions:
Symmetrical dyschromatosis of extremities (DSH). Also called: DYSCHROMATOSIS SYMMETRICA HEREDITARIA 1; RETICULATE ACROPIGMENTATION OF DOHI; SYMMETRIC DYSCHROMATOSIS OF THE EXTREMITIES; Dyschromatosis symmetrica hereditaria. Identifiers: Orphanet 41, MedGen C0406775, MONDO:0007483, OMIM 127400.
Aicardi-Goutieres syndrome 6 (AGS6). Identifiers: Orphanet 51, MedGen C3539013, MONDO:0014007, OMIM 615010.

Submission:

Labcorp Genetics (formerly Invitae), Labcorp
Classification: Uncertain significance for Aicardi-Goutieres syndrome 6; Symmetrical dyschromatosis of extremities. Last evaluated: 2022-02-05. Review status: criteria provided, single submitter. Criteria: Invitae Variant Classification Sherloc (09022015). Collection method: clinical testing. Allele origin: germline.
Comment: In summary, the available evidence is currently insufficient to determine the role of this variant in disease. Therefore, it has been classified as a Variant of Uncertain Significance. Algorithms developed to predict the effect of missense changes on protein structure and function are either unavailable or do not agree on the potential impact of this missense change (SIFT: "Deleterious"; PolyPhen-2: "Probably Damaging"; Align-GVGD: "Class C15"). This variant has not been reported in the literature in individuals affected with ADAR-related conditions. This variant is not present in population databases (gnomAD no frequency). This sequence change replaces arginine, which is basic and polar, with glycine, which is neutral and non-polar, at codon 916 of the ADAR protein (p.Arg916Gly).